The following is an entry in ClinVar:

NM_000140.5(FECH):c.863T>C (p.Met288Thr)

Gene: FECH (ferrochelatase; minus strand). Cytogenetic location: 18q21.31.
Variant type: single nucleotide variant.
Coding change: c.863T>C on transcript NM_000140.5 (MANE Select); coding-DNA position 863, T replaced by C.
Protein change: p.Met288Thr; replaces methionine 288 with threonine.
Molecular consequence: missense variant.
Genome position (GRCh38, 1-based): chr18:57,554,894, A>G on the plus strand (T>C on the coding strand, the complement: FECH is on the minus strand). VCF-style: chr18-57554894-A-G. GRCh37 (hg19) VCF-style: chr18-55222126-A-G.
Other names: c.881T>C, p.Met294Thr (NM_001012515.4); c.764T>C, p.Met255Thr (NM_001371094.1); c.647T>C, p.Met216Thr (NM_001371095.1); c.863T>C, p.Met288Thr (NM_001374778.1); short protein forms M216T, M255T, M288T, M294T.
Identifiers: ClinVar variation 3775311 (VCV003775311.1).

ClinVar aggregate classification (germline): Likely pathogenic (1 of 4 stars; one submission).

Conditions:
Protoporphyria, erythropoietic, 1 (EPP1). Also called: Erythropoietic Protoporphyria, Autosomal Recessive; FERROCHELATASE DEFICIENCY; HEME SYNTHETASE DEFICIENCY. Identifiers: Orphanet 79278, MedGen C4692546, MONDO:0008319, OMIM 177000.

Submission:

3billion
Classification: Likely pathogenic for Protoporphyria, erythropoietic, 1. Last evaluated: 2023-06-19. Review status: criteria provided, single submitter. Criteria: ACMG Guidelines, 2015. Collection method: clinical testing. Allele origin: germline. Affected: yes.
Comment: The variant is not observed in the gnomAD v2.1.1 dataset. Predicted Consequence/Location: Missense variant In silico tool predictions suggest damaging effect of the variant on gene or gene product (REVEL: 0.94; 3Cnet: 0.87). The same nucleotide change resulting in the same amino acid change has been previously reported to be associated with FECH related disorder (PMID: 28075030). The variant has been reported to be in trans with a pathogenic variant as either compound heterozygous or homozygous in at least one similarly affected unrelated individual (PMID: 28075030). A different missense change at the same codon (p.Met288Lys) has been reported to be associated with FECH related disorder (PMID: 9585598). Therefore, this variant is classified as Likely pathogenic according to the recommendation of ACMG/AMP guideline.

Literature cited by the submitters: PubMed 28075030; PubMed 9585598.